The following is an entry in ClinVar:

ClinVar aggregate classification (germline): Uncertain significance (1 of 4 stars; one submission).

Submission:

Women's Health and Genetics/Laboratory Corporation of America, LabCorp
Classification: Uncertain significance. Last evaluated: 2025-05-08. Review status: criteria provided, single submitter. Criteria: LabCorp Variant Classification Summary - May 2015. Collection method: clinical testing. Allele origin: germline.
Comment: Variant summary: ITGA2B c.170A>G (p.His57Arg) results in a non-conservative amino acid change in the encoded protein sequence. Algorithms developed to predict the effect of missense changes on protein structure and function all suggest that this variant is likely to be disruptive. The variant was absent in 251340 control chromosomes. The available data on variant occurrences in the general population are insufficient to allow any conclusion about variant significance. To our knowledge, no occurrence of c.170A>G in individuals affected with ITGA2B-Related Disorders and no experimental evidence demonstrating its impact on protein function have been reported. No submitters have cited clinical-significance assessments for this variant to ClinVar. Based on the evidence outlined above, the variant was classified as uncertain significance.

NM_000419.5(ITGA2B):c.170A>G (p.His57Arg)

Gene: ITGA2B (integrin subunit alpha 2b; minus strand). Cytogenetic location: 17q21.31.
Variant type: single nucleotide variant.
Coding change: c.170A>G on transcript NM_000419.5 (MANE Select); coding-DNA position 170, A replaced by G.
Protein change: p.His57Arg; replaces histidine 57 with arginine.
Molecular consequence: missense variant.
Genome position (GRCh38, 1-based): chr17:44,389,304, T>C on the plus strand (A>G on the coding strand, the complement: ITGA2B is on the minus strand). VCF-style: chr17-44389304-T-C. GRCh37 (hg19) VCF-style: chr17-42466672-T-C.
Other names: short protein forms H57R.
Identifiers: ClinVar variation 3902418 (VCV003902418.1).